The following is an entry in ClinVar:

NM_012330.4(KAT6B):c.5018T>A (p.Ile1673Asn)

Gene: KAT6B (lysine acetyltransferase 6B; plus strand). Cytogenetic location: 10q22.2.
Variant type: single nucleotide variant.
Coding change: c.5018T>A on transcript NM_012330.4 (MANE Select); coding-DNA position 5018, T replaced by A.
Protein change: p.Ile1673Asn; replaces isoleucine 1673 with asparagine.
Molecular consequence: missense variant.
Genome position (GRCh38, 1-based): chr10:75,029,842, T>A. VCF-style: chr10-75029842-T-A. GRCh37 (hg19) VCF-style: chr10-76789600-T-A.
Other names: c.4142T>A, p.Ile1381Asn (NM_001256469.2, NM_001370139.1, NM_001370140.1 and 2 more transcripts); c.3980T>A, p.Ile1327Asn (NM_001370132.1); c.3329T>A, p.Ile1110Asn (NM_001370133.1); c.2933T>A, p.Ile978Asn (NM_001370134.1); c.2675T>A, p.Ile892Asn (NM_001370135.1); c.5018T>A, p.Ile1673Asn (NM_001370136.1, NM_001370137.1); c.4469T>A, p.Ile1490Asn (NM_001370138.1, NM_001256468.2); c.3953T>A, p.Ile1318Asn (NM_001370143.1, NM_001370144.1); short protein forms I892N, I1318N, I1490N, I978N, I1673N, I1110N, I1327N, I1381N.
Identifiers: ClinVar variation 3698796 (VCV003698796.2).

ClinVar aggregate classification (germline): Uncertain significance (1 of 4 stars; one submission).

Conditions:
Genitopatellar syndrome (GTPTS). Also called: ABSENT PATELLAE, SCROTAL HYPOPLASIA, RENAL ANOMALIES, FACIAL DYSMORPHISM, AND MENTAL RETARDATION; Genitopatellar syndrome (GPS). Identifiers: Orphanet 85201, MedGen C1853566, MONDO:0011640, OMIM 606170.

Submission:

Labcorp Genetics (formerly Invitae), Labcorp
Classification: Uncertain significance for Genitopatellar syndrome. Last evaluated: 2024-05-08. Review status: criteria provided, single submitter. Criteria: Invitae Variant Classification Sherloc (09022015). Collection method: clinical testing. Allele origin: germline.
Comment: This sequence change replaces isoleucine, which is neutral and non-polar, with asparagine, which is neutral and polar, at codon 1673 of the KAT6B protein (p.Ile1673Asn). This variant is not present in population databases (gnomAD no frequency). This variant has not been reported in the literature in individuals affected with KAT6B-related conditions. An algorithm developed to predict the effect of missense changes on protein structure and function (PolyPhen-2) suggests that this variant is likely to be disruptive. In summary, the available evidence is currently insufficient to determine the role of this variant in disease. Therefore, it has been classified as a Variant of Uncertain Significance.